The following is an entry in ClinVar:

ClinVar aggregate classification (germline): Uncertain significance (1 of 4 stars; one submission).

Conditions:
Hereditary cancer-predisposing syndrome. Also called: Neoplastic Syndromes, Hereditary; Tumor predisposition; Hereditary Cancer Syndrome; Hereditary neoplastic syndrome. Identifiers: Orphanet 140162, MedGen C0027672, MeSH D009386, MONDO:0015356.

Submission:

Ambry Genetics
Classification: Uncertain significance for Hereditary cancer-predisposing syndrome. Last evaluated: 2024-08-12. Review status: criteria provided, single submitter. Criteria: Ambry Variant Classification Scheme 2023. Collection method: clinical testing. Allele origin: germline.
Comment: The p.P279R variant (also known as c.836C>G), located in coding exon 3 of the PHOX2B gene, results from a C to G substitution at nucleotide position 836. The proline at codon 279 is replaced by arginine, an amino acid with dissimilar properties. This amino acid position is conserved. In addition, this alteration is predicted to be tolerated by in silico analysis. Based on the available evidence, the clinical significance of this variant remains unclear.

NM_003924.4(PHOX2B):c.836C>G (p.Pro279Arg)

Gene: PHOX2B (paired like homeobox 2B; minus strand). Cytogenetic location: 4p13.
Variant type: single nucleotide variant.
Coding change: c.836C>G on transcript NM_003924.4 (MANE Select); coding-DNA position 836, C replaced by G.
Protein change: p.Pro279Arg; replaces proline 279 with arginine.
Molecular consequence: missense variant.
Genome position (GRCh38, 1-based): chr4:41,745,916, G>C on the plus strand (C>G on the coding strand, the complement: PHOX2B is on the minus strand). VCF-style: chr4-41745916-G-C. GRCh37 (hg19) VCF-style: chr4-41747933-G-C.
Other names: short protein forms P279R.
Identifiers: ClinVar variation 3417938 (VCV003417938.1).